The following is an entry in ClinVar:

NM_006907.4(PYCR1):c.260A>G (p.Glu87Gly)

Gene: PYCR1 (pyrroline-5-carboxylate reductase 1; minus strand). Cytogenetic location: 17q25.3.
Variant type: single nucleotide variant.
Coding change: c.260A>G on transcript NM_006907.4 (MANE Select); coding-DNA position 260, A replaced by G.
Protein change: p.Glu87Gly; replaces glutamic acid 87 with glycine.
Molecular consequence: missense variant.
Genome position (GRCh38, 1-based): chr17:81,935,395, T>C on the plus strand (A>G on the coding strand, the complement: PYCR1 is on the minus strand). VCF-style: chr17-81935395-T-C. GRCh37 (hg19) VCF-style: chr17-79893271-T-C.
Other names: c.260A>G, p.Glu87Gly (NM_001282279.2, NM_001282280.2, NM_001330523.2 and 1 more transcripts); c.341A>G, p.Glu114Gly (NM_001282281.2); short protein forms E87G, E114G.
Identifiers: ClinVar variation 2769988 (VCV002769988.3), dbSNP rs2510120189, ClinGen allele CA401539658.

ClinVar aggregate classification (germline): Uncertain significance (1 of 4 stars; one submission).

Submission:

Labcorp Genetics (formerly Invitae), Labcorp
Classification: Uncertain significance. Last evaluated: 2023-10-18. Review status: criteria provided, single submitter. Criteria: Invitae Variant Classification Sherloc (09022015). Collection method: clinical testing. Allele origin: germline.
Comment: This sequence change replaces glutamic acid, which is acidic and polar, with glycine, which is neutral and non-polar, at codon 87 of the PYCR1 protein (p.Glu87Gly). This variant is not present in population databases (gnomAD no frequency). This variant has not been reported in the literature in individuals affected with PYCR1-related conditions. Advanced modeling of protein sequence and biophysical properties (such as structural, functional, and spatial information, amino acid conservation, physicochemical variation, residue mobility, and thermodynamic stability) performed at Invitae indicates that this missense variant is not expected to disrupt PYCR1 protein function. In summary, the available evidence is currently insufficient to determine the role of this variant in disease. Therefore, it has been classified as a Variant of Uncertain Significance.